The following is an entry in ClinVar:

ClinVar aggregate classification (germline): Pathogenic/Likely pathogenic. Review status: criteria provided, multiple submitters, no conflicts (2 of 4 stars). 7 submissions from 7 submitters: Pathogenic (1); Likely pathogenic (5). 1 of the submissions does not count toward it. Last evaluated 2026-07-30.

Conditions:
Cardiovascular phenotype. Identifiers: MedGen CN230736.
Dilated cardiomyopathy 1G (CMD1G). Identifiers: Orphanet 154, MedGen C1858763, MONDO:0011400, OMIM 604145.
Autosomal recessive limb-girdle muscular dystrophy type 2J (LGMDR10). Also called: MUSCULAR DYSTROPHY, LIMB-GIRDLE, AUTOSOMAL RECESSIVE 10; Limb-girdle muscular dystrophy, type 2J. Identifiers: Orphanet 140922, MedGen C1837342, MONDO:0012127, OMIM 608807.
Tibial muscular dystrophy (TMD). Also called: Udd Distal Myopathy – Tibial Muscular Dystrophy; Tibial muscular dystrophy, tardive; UDD MYOPATHY. Identifiers: Orphanet 609, MedGen C1838244, MONDO:0010870, OMIM 600334.
Myopathy, myofibrillar, 9, with early respiratory failure (MFM9). Also called: Hereditary myopathy with early respiratory failure; EDSTROM MYOPATHY; Myopathy, distal, with early respiratory failure, autosomal dominant; MYOPATHY, PROXIMAL, WITH EARLY RESPIRATORY MUSCLE INVOLVEMENT. Identifiers: Orphanet 178464, Orphanet 34521, MedGen C1863599, MONDO:0011362, OMIM 603689.
Early-onset myopathy with fatal cardiomyopathy (CMYO5). Also called: CONGENITAL MYOPATHY 5 WITH CARDIOMYOPATHY; Salih Myopathy. Identifiers: Orphanet 289377, MedGen C2673677, MONDO:0012714, OMIM 611705. Disease mechanism: loss of function.
Hypertrophic cardiomyopathy 9. Also called: Familial hypertrophic cardiomyopathy 9. Identifiers: MedGen C1861065, MONDO:0013412, OMIM 613765.

Allele frequency attached by ClinVar (database versions not stated): gnomAD exomes below 0.00001; TOPMed below 0.00001.
gnomAD v4.1: 1 of 1,613,238 alleles (0.000062%); highest among the groups gnomAD compares: Non-Finnish European, 0.000085%; no homozygotes.

Submissions (7):

GeneDx
Classification: Pathogenic. Last evaluated: 2026-07-30. Review status: criteria provided, single submitter. Criteria: GeneDx Variant Classification Process June 2021. Collection method: clinical testing. Allele origin: germline.
Comment: Nonsense variant predicted to result in protein truncation or nonsense mediated decay in a gene for which loss of function is a known mechanism of disease; Identified in patients with cardiomyopathy referred for genetic testing at GeneDx and in published literature (PMID: 39844436); Not observed at significant frequency in large population cohorts (gnomAD); This variant is associated with the following publications: (PMID: 24575448, 22335739, 32778822, 35130036, 39844436)

Clinical Genetics Laboratory, Skane University Hospital Lund
Classification: Likely pathogenic for Dilated cardiomyopathy 1G. Last evaluated: 2025-12-01. Review status: criteria provided, single submitter. Criteria: ACMG Guidelines, 2015. Collection method: clinical testing. Allele origin: germline. Affected: yes.
Comment: ACMG criteria used: PVS1, PM2.

Ambry Genetics
Classification: Likely pathogenic for Cardiovascular phenotype. Last evaluated: 2025-05-03. Review status: criteria provided, single submitter. Criteria: Ambry Variant Classification Scheme 2023. Collection method: clinical testing. Allele origin: germline.
Comment: The p.R14019* variant (also known as c.42055C>T), located in coding exon 151 of the TTN gene, results from a C to T substitution at nucleotide position 42055. This changes the amino acid from an arginine to a stop codon within coding exon 151. This exon is located in the A-band region of the N2-B isoform of the titin protein and is constitutively expressed in TTN transcripts (percent spliced in or PSI 100%). This variant is considered to be rare based on population cohorts in the Genome Aggregation Database (gnomAD). This variant is expected to result in loss of function by premature protein truncation or nonsense-mediated mRNA decay. While truncating variants in TTN are present in 1-3% of the general population, truncating variants in the A-band are the most common cause of dilated cardiomyopathy (Herman DS et al. N. Engl. J. Med., 2012 Feb;366:619-28; Roberts AM et al. Sci Transl Med, 2015 Jan;7:270ra6). TTN truncating variants encoded in constitutive exons (PSI >90%) have been found to be significantly associated with DCM regardless of their position in titin (Schafer S et al. Nat. Genet., 2017 01;49:46-53; Akhtar MM et al. Circ Heart Fail, 2020 Oct;13:e006832; Massier M et al. Clin Genet, 2025 Jan). Based on the majority of available evidence to date, this variant is likely to be pathogenic.

Labcorp Genetics (formerly Invitae), Labcorp
Classification: Likely pathogenic for Dilated cardiomyopathy 1G; Autosomal recessive limb-girdle muscular dystrophy type 2J. Last evaluated: 2024-09-15. Review status: criteria provided, single submitter. Criteria: Invitae Variant Classification Sherloc (09022015). Collection method: clinical testing. Allele origin: germline.
Comment: This sequence change creates a premature translational stop signal (p.Arg23084*) in the TTN gene. While this is not anticipated to result in nonsense mediated decay, it is expected to create a truncated TTN protein. This variant is not present in population databases (gnomAD no frequency). This variant has not been reported in the literature in individuals affected with TTN-related conditions. ClinVar contains an entry for this variant (Variation ID: 202400). This variant is located in the A band of TTN (PMID: 25589632). Truncating variants in this region are significantly overrepresented in patients affected with dilated cardiomyopathy (PMID: 25589632). Truncating variants in this region have also been reported in individuals affected with autosomal recessive centronuclear myopathy (PMID: 23975875). In summary, the currently available evidence indicates that the variant is pathogenic, but additional data are needed to prove that conclusively. Therefore, this variant has been classified as Likely Pathogenic.

Clinical Genetics Service, Universitary Hospital 12 de Octubre
Classification: Likely pathogenic for Dilated cardiomyopathy 1G. Review status: criteria provided, single submitter. Criteria: ACMG Guidelines, 2015. Collection method: clinical testing. Allele origin: germline. Affected: yes.

Juno Genomics, Hangzhou Juno Genomics, Inc
Classification: Likely pathogenic for Early-onset myopathy with fatal cardiomyopathy; Dilated cardiomyopathy 1G; Hypertrophic cardiomyopathy 9; Autosomal recessive limb-girdle muscular dystrophy type 2J; Myopathy, myofibrillar, 9, with early respiratory failure; Tibial muscular dystrophy. Review status: criteria provided, single submitter. Criteria: ACMG Guidelines, 2015. Collection method: clinical testing. Allele origin: germline.
Comment: Absent from controls (or at extremely low frequency if recessive) in Genome Aggregation Database.;Null variant in a gene where loss of function (LOF) is a known mechanism of disease.

Cardiogenetics and Myogenetics Molecular and Cellular Functional Unit, Aphp Sorbonne University-Hopital Pitie Salpetriere
Classification: Likely pathogenic for Dilated cardiomyopathy 1G. Last evaluated: 2024-01-06. Review status: no assertion criteria provided. Collection method: clinical testing. Allele origin: germline. Affected: yes. Not counted in ClinVar's aggregate classification.

Literature cited by the submitters: PubMed 25589632 (cited by Labcorp Genetics (formerly Invitae), Labcorp); PubMed 23975875 (cited by Labcorp Genetics (formerly Invitae), Labcorp).

NM_001267550.2(TTN):c.69250C>T (p.Arg23084Ter)

Genes: TTN-AS1 (TTN antisense RNA 1; plus strand), TTN (titin; minus strand). Cytogenetic location: 2q31.2.
Variant type: single nucleotide variant.
Coding change: c.69250C>T on transcript NM_001267550.2 (MANE Select); coding-DNA position 69250, C replaced by T.
Protein change: p.Arg23084Ter; replaces arginine 23084 with a stop codon.
Molecular consequence: nonsense.
Genome position (GRCh38, 1-based): chr2:178,577,085, G>A on the plus strand (C>T on the coding strand, the complement: TTN is on the minus strand). VCF-style: chr2-178577085-G-A. GRCh37 (hg19) VCF-style: chr2-179441812-G-A.
Other names: p.R21443*:CGA>TGA; c.42631C>T, p.Arg14211Ter (NM_133437.4); c.64327C>T, p.Arg21443Ter (NM_001256850.1); c.42055C>T, p.Arg14019Ter (NM_003319.4); c.61546C>T, p.Arg20516Ter (NM_133378.4); c.42430C>T, p.Arg14144Ter (NM_133432.3); short protein forms R21443*, R23084*, R14211*, R20516*, R14144*, R14019*.
Identifiers: ClinVar variation 202400 (VCV000202400.19), dbSNP rs794729281, ClinGen allele CA309299.